The following is an entry in ClinVar:

NM_001365999.1(SZT2):c.10274T>C (p.Phe3425Ser)

Gene: SZT2 (SZT2 subunit of KICSTOR complex; plus strand). Cytogenetic location: 1p34.2.
Variant type: single nucleotide variant.
Coding change: c.10274T>C on transcript NM_001365999.1 (MANE Select); coding-DNA position 10274, T replaced by C.
Protein change: p.Phe3425Ser; replaces phenylalanine 3425 with serine.
Molecular consequence: missense variant.
Genome position (GRCh38, 1-based): chr1:43,450,455, T>C. VCF-style: chr1-43450455-T-C. GRCh37 (hg19) VCF-style: chr1-43916126-T-C.
Other names: c.10103T>C, p.Phe3368Ser (NM_015284.4); c.1715T>C, p.Phe572Ser (NM_024547.1); short protein forms F3368S, F3425S, F572S.
Identifiers: ClinVar variation 2107513 (VCV002107513.4), dbSNP rs2545878208, ClinGen allele CA339975168.

ClinVar aggregate classification (germline): Uncertain significance (1 of 4 stars; one submission).

Submission:

Labcorp Genetics (formerly Invitae), Labcorp
Classification: Uncertain significance. Last evaluated: 2023-11-27. Review status: criteria provided, single submitter. Criteria: Invitae Variant Classification Sherloc (09022015). Collection method: clinical testing. Allele origin: germline.
Comment: This sequence change replaces phenylalanine, which is neutral and non-polar, with serine, which is neutral and polar, at codon 3368 of the SZT2 protein (p.Phe3368Ser). This variant is not present in population databases (gnomAD no frequency). This variant has not been reported in the literature in individuals affected with SZT2-related conditions. ClinVar contains an entry for this variant (Variation ID: 2107513). Advanced modeling of protein sequence and biophysical properties (such as structural, functional, and spatial information, amino acid conservation, physicochemical variation, residue mobility, and thermodynamic stability) performed at Invitae indicates that this missense variant is not expected to disrupt SZT2 protein function with a negative predictive value of 80%. In summary, the available evidence is currently insufficient to determine the role of this variant in disease. Therefore, it has been classified as a Variant of Uncertain Significance.